The following is an entry in ClinVar:

ClinVar aggregate classification (germline): Uncertain significance (1 of 4 stars; one submission).

Conditions:
Hereditary cancer-predisposing syndrome. Also called: Neoplastic Syndromes, Hereditary; Tumor predisposition; Hereditary Cancer Syndrome; Hereditary neoplastic syndrome. Identifiers: Orphanet 140162, MedGen C0027672, MeSH D009386, MONDO:0015356.

Submission:

Ambry Genetics
Classification: Uncertain significance for Hereditary cancer-predisposing syndrome. Last evaluated: 2026-05-15. Review status: criteria provided, single submitter. Criteria: Ambry Variant Classification Scheme 2023. Collection method: clinical testing. Allele origin: germline.
Comment: The p.N567D variant (also known as c.1699A>G), located in coding exon 11 of the KIT gene, results from an A to G substitution at nucleotide position 1699. The asparagine at codon 567 is replaced by aspartic acid, an amino acid with highly similar properties. This amino acid position is conserved. In addition, the in silico prediction for this alteration is inconclusive. Based on the available evidence, the clinical significance of this variant remains unclear.

NM_000222.3(KIT):c.1699A>G (p.Asn567Asp)

Gene: KIT (KIT proto-oncogene, receptor tyrosine kinase; plus strand). Cytogenetic location: 4q12.
Variant type: single nucleotide variant.
Coding change: c.1699A>G on transcript NM_000222.3 (MANE Select); coding-DNA position 1699, A replaced by G.
Protein change: p.Asn567Asp; replaces asparagine 567 with aspartic acid.
Molecular consequence: missense variant.
Genome position (GRCh38, 1-based): chr4:54,727,467, A>G. VCF-style: chr4-54727467-A-G. GRCh37 (hg19) VCF-style: chr4-55593633-A-G.
Other names: c.1687A>G, p.Asn563Asp (NM_001093772.2, NM_001385286.1); c.1702A>G, p.Asn568Asp (NM_001385284.1, NM_001385290.1); c.1699A>G, p.Asn567Asp (NM_001385285.1); c.1690A>G, p.Asn564Asp (NM_001385288.1, NM_001385292.1); short protein forms N563D, N564D, N567D, N568D.
Identifiers: ClinVar variation 4858938 (VCV004858938.1).